The following is an entry in ClinVar:

ClinVar aggregate classification (germline): Likely pathogenic (1 of 4 stars; one submission).

Submission:

Quest Diagnostics Nichols Institute San Juan Capistrano
Classification: Likely pathogenic. Last evaluated: 2021-08-24. Review status: criteria provided, single submitter. Criteria: ACMG/ClinGen CNV Guidelines, 2019. Collection method: clinical testing. Allele origin: unknown.
Comment: The copy number loss of 16p13.3 involves five protein coding genes including multiple exons of a 3' portion of TSC2 (OMIM 191092), PKD1 (OMIM 601313), and TRAF7 (OMIM 606692). Overlapping deletions of this locus have been reported in patients with infantile severe polycystic kidney disease with tuberous sclerosis (PKDTS; OMIM 600273), which is a contiguous gene deletion syndrome involving both PKD1 and TSC2 (Ariyurek 2004; Consugar 2008; Oyazato 2011; Boehm 2007). Furthermore, haploinsufficiency of TSC2 and PKD1 are associated with autosomal dominant conditions of tuberous sclerosis-2 (OMIM 613254) and polycystic kidney disease 1 (OMIM 173900), respectively. Tuberous sclerosis complex is a multi-system disorder characterized by hamartomas in multiple organ systems, including the brain, skin, heart, kidneys, and lung. These changes can result in epilepsy, learning difficulties, behavioral problems, and renal failure, and an increased risk of malignancy is also reported. In addition, heterozygous pathogenic sequence variants (mostly missense) of TRAF7 are associated with autosomal dominant cardiac, facial, and digital anomalies with developmental delay (OMIM 618164). Additionally, there are similar copy number losses of this region reported in the general populations of the Database of Genomic Variants. Thus, the clinical significance of this copy number loss has been interpreted as likely pathogenic. References: Ariyurek et al., Hum Mutat. 2004 Jan;23(1):99. PMID: 14695542. Boehm et al., Am J Kidney Dis. 2007 Jan;49(1):e11-21. PMID: 17185137. Consugar et al., Kidney Int. 2008 Dec; 74(11): 1468â€“1479. PMID: 18818683. Oyazato et al., Kobe J Med Sci. 2011 Jun 9;57(1):E1-10. PMID: 22169896

GRCh37/hg19 16p13.3(chr16:2106895-2227470)x1

Genes: CASKIN1 (CASK interacting protein 1; minus strand), MIR1225 (microRNA 1225; minus strand), PKD1 (polycystin 1, transient receptor potential channel interacting; minus strand), RAB26 (RAB26, member RAS oncogene family; plus strand), TRAF7 (TNF receptor associated factor 7; plus strand) and 1 more. Cytogenetic location: 16p13.3.
Variant type: copy number loss.
Change: copy number 1 (one copy instead of two) of chr16:2,106,895-2,227,470 (120.6 kb, GRCh37 coordinates, 1-based), cytogenetic band 16p13.3.
Identifiers: ClinVar variation 1809088 (VCV001809088.1).